The following is an entry in ClinVar:

ClinVar aggregate classification (germline): Uncertain significance (1 of 4 stars; one submission).

Conditions:
WDR48-related disorder. Also called: WDR48-related condition.

Submission:

PreventionGenetics, part of Exact Sciences
Classification: Uncertain significance for WDR48-related condition. Last evaluated: 2023-03-08. Review status: criteria provided, single submitter. Criteria: ACMG Guidelines, 2015. Collection method: clinical testing. Allele origin: germline.
Comment: The WDR48 c.511A>G variant is predicted to result in the amino acid substitution p.Ile171Val. To our knowledge, this variant has not been reported in the literature or in a large population database, indicating this variant is rare. At this time, the clinical significance of this variant is uncertain due to the absence of conclusive functional and genetic evidence.

NM_020839.4(WDR48):c.511A>G (p.Ile171Val)

Gene: WDR48 (WD repeat domain 48; plus strand). Cytogenetic location: 3p22.2.
Variant type: single nucleotide variant.
Coding change: c.511A>G on transcript NM_020839.4 (MANE Select); coding-DNA position 511, A replaced by G.
Protein change: p.Ile171Val; replaces isoleucine 171 with valine.
Molecular consequence: missense variant. On other transcripts: 5 prime UTR variant (1), non-coding transcript variant (3).
Genome position (GRCh38, 1-based): chr3:39,068,800, A>G. VCF-style: chr3-39068800-A-G. GRCh37 (hg19) VCF-style: chr3-39110291-A-G.
Other names: c.265A>G, p.Ile89Val (NM_001303402.2); c.484A>G, p.Ile162Val (NM_001303403.2); c.625A>G, p.Ile209Val (NM_001346225.2); c.340A>G, p.Ile114Val (NM_001346226.2); c.-15A>G (NM_001346227.2); c.301A>G, p.Ile101Val (NM_001346228.2); short protein forms I101V, I114V, I162V, I171V, I209V, I89V.
Identifiers: ClinVar variation 2636654 (VCV002636654.1), dbSNP rs2470891141, ClinGen allele CA352182500.